The following is an entry in ClinVar:

ClinVar aggregate classification (germline): Uncertain significance. Review status: criteria provided, multiple submitters, no conflicts (2 of 4 stars). 4 submissions from 4 submitters: Uncertain significance (4). Last evaluated 2024-12-20.

Conditions:
Cardiovascular phenotype. Identifiers: MedGen CN230736.
Long QT syndrome (LQTS). Identifiers: MedGen C0023976, MeSH D008133, MONDO:0002442. Disease mechanism: loss of function. Inheritance: Various modes of inheritance.
Cardiac arrhythmia, ankyrin-B-related. Also called: ANKYRIN-B SYNDROME. Identifiers: Orphanet 101016, Orphanet 768, MedGen C1970119, MONDO:0010958, OMIM 600919.

Allele frequency attached by ClinVar (database versions not stated): ExAC 0.00001; gnomAD exomes 0.00001; TOPMed 0.00002; gnomAD 0.00003.
gnomAD v4.1: 20 of 1,613,650 alleles (0.0012%); highest among the groups gnomAD compares: Admixed American, 0.0017%; no homozygotes.

Submissions (4):

Labcorp Genetics (formerly Invitae), Labcorp
Classification: Uncertain significance for Long QT syndrome. Last evaluated: 2024-12-20. Review status: criteria provided, single submitter. Criteria: Invitae Variant Classification Sherloc (09022015). Collection method: clinical testing. Allele origin: germline.
Comment: This sequence change replaces lysine, which is basic and polar, with methionine, which is neutral and non-polar, at codon 938 of the ANK2 protein (p.Lys938Met). This variant is present in population databases (rs778597568, gnomAD 0.004%). This missense change has been observed in individual(s) with Brugada syndrome (PMID: 26220970). This variant is also known as p.K147M. ClinVar contains an entry for this variant (Variation ID: 190598). Invitae Evidence Modeling of protein sequence and biophysical properties (such as structural, functional, and spatial information, amino acid conservation, physicochemical variation, residue mobility, and thermodynamic stability) indicates that this missense variant is not expected to disrupt ANK2 protein function with a negative predictive value of 80%. In summary, the available evidence is currently insufficient to determine the role of this variant in disease. Therefore, it has been classified as a Variant of Uncertain Significance.

Fulgent Genetics
Classification: Uncertain significance for Cardiac arrhythmia, ankyrin-B-related. Last evaluated: 2021-08-24. Review status: criteria provided, single submitter. Criteria: ACMG Guidelines, 2015. Collection method: clinical testing. Allele origin: unknown.

Ambry Genetics
Classification: Uncertain significance for Cardiovascular phenotype. Last evaluated: 2020-05-26. Review status: criteria provided, single submitter. Criteria: Ambry Variant Classification Scheme 2023. Collection method: clinical testing. Allele origin: germline.
Comment: The p.K938M variant (also known as c.2813A>T), located in coding exon 26 of the ANK2 gene, results from an A to T substitution at nucleotide position 2813. The lysine at codon 938 is replaced by methionine, an amino acid with similar properties. This amino acid position is well conserved in available vertebrate species. In addition, the in silico prediction for this alteration is inconclusive. Since supporting evidence is limited at this time, the clinical significance of this alteration remains unclear.

GeneDx
Classification: Uncertain significance. Last evaluated: 2016-02-02. Review status: criteria provided, single submitter. Criteria: GeneDx Variant Classification (06012015). Collection method: clinical testing. Allele origin: germline. Affected: yes.
Comment: The Lys938Met variant in the ANK2 gene has not been reported previously as a disease-causing mutation nor as a benign polymorphism, to our knowledge. Lys938Met results in a semi-conservative amino acid substitution of a positively charged Lysine with a neutral, polar Methionine at a residue that is conserved across species. In silico analysis predicts Lys938Met is probably damaging to the protein structure/function ( Adzhubei I et al., 2010). In addition, the Lys938Met variant was not detected in up to 600 alleles from control individuals of Caucasian and African American ancestry tested indicating it is not a common benign variant in these populations. However, no mutations in surrounding residues have been reported in association with LQTS to date, indicating this region of the protein may be tolerant of change. In summary, with the clinical and molecular information available at this time, we cannot unequivocally determine the clinical significance of the Lys938Met variant.

Literature cited by the submitters: PubMed 26220970 (cited by Labcorp Genetics (formerly Invitae), Labcorp).

NM_001148.6(ANK2):c.2813A>T (p.Lys938Met)

Gene: ANK2 (ankyrin 2; plus strand). Cytogenetic location: 4q26.
Variant type: single nucleotide variant.
Coding change: c.2813A>T on transcript NM_001148.6 (MANE Select); coding-DNA position 2813, A replaced by T.
Protein change: p.Lys938Met; replaces lysine 938 with methionine.
Molecular consequence: missense variant.
Genome position (GRCh38, 1-based): chr4:113,318,533, A>T. VCF-style: chr4-113318533-A-T. GRCh37 (hg19) VCF-style: chr4-114239689-A-T.
Other names: p.K938M:AAG>ATG; c.2750A>T, p.Lys917Met (NM_001127493.3, NM_001354243.2, NM_001354262.2 and 3 more transcripts); c.2825A>T, p.Lys942Met (NM_001354225.2); c.2813A>T, p.Lys938Met (NM_001354228.2, NM_001354232.2, NM_020977.5 and 1 more transcripts); c.2855A>T, p.Lys952Met (NM_001354230.2, NM_001354231.2, NM_001354237.2 and 1 more transcripts); c.2810A>T, p.Lys937Met (NM_001354235.2, NM_001354236.2, NM_001354246.2 and 1 more transcripts); c.2747A>T, p.Lys916Met (NM_001354239.2, NM_001354244.2, NM_001354256.2 and 3 more transcripts); c.2858A>T, p.Lys953Met (NM_001354240.2, NM_001354241.2, NM_001386144.1); and 18 more; short protein forms K917M, K938M, K147M, K909M, K916M, K952M, K843M, K871M.
Identifiers: ClinVar variation 190598 (VCV000190598.20), dbSNP rs778597568, ClinGen allele CA301036.